The following is an entry in ClinVar:

NM_001080449.3(DNA2):c.85A>G (p.Lys29Glu)

Gene: DNA2 (DNA replication helicase/nuclease 2; minus strand). Cytogenetic location: 10q21.3.
Variant type: single nucleotide variant.
Coding change: c.85A>G on transcript NM_001080449.3 (MANE Select); coding-DNA position 85, A replaced by G.
Protein change: p.Lys29Glu; replaces lysine 29 with glutamic acid.
Molecular consequence: missense variant. On other transcripts: non-coding transcript variant (1).
Genome position (GRCh38, 1-based): chr10:68,470,153, T>C on the plus strand (A>G on the coding strand, the complement: DNA2 is on the minus strand). VCF-style: chr10-68470153-T-C. GRCh37 (hg19) VCF-style: chr10-70229910-T-C.
Other names: short protein forms K29E.
Identifiers: ClinVar variation 2489048 (VCV002489048.4), dbSNP rs542325199, ClinGen allele CA5525380.

ClinVar aggregate classification (germline): Uncertain significance. Review status: criteria provided, multiple submitters, no conflicts (2 of 4 stars). 3 submissions from 3 submitters: Uncertain significance (3). Last evaluated 2025-02-11.

Conditions:
Inborn genetic diseases. Identifiers: MedGen C0950123, MeSH D030342.

Allele frequency attached by ClinVar (database versions not stated): TOPMed below 0.00001; ExAC 0.00001; gnomAD 0.00001; gnomAD exomes 0.00001; 1000 Genomes Project 30x 0.00016; 1000 Genomes Project 0.00020.

Submissions (3):

Labcorp Genetics (formerly Invitae), Labcorp
Classification: Uncertain significance. Last evaluated: 2025-02-11. Review status: criteria provided, single submitter. Criteria: Invitae Variant Classification Sherloc (09022015). Collection method: clinical testing. Allele origin: germline.
Comment: This sequence change replaces lysine, which is basic and polar, with glutamic acid, which is acidic and polar, at codon 29 of the DNA2 protein (p.Lys29Glu). The frequency data for this variant in the population databases is considered unreliable, as metrics indicate poor data quality at this position in the gnomAD database. This variant has not been reported in the literature in individuals affected with DNA2-related conditions. ClinVar contains an entry for this variant (Variation ID: 2489048). An algorithm developed to predict the effect of missense changes on protein structure and function (PolyPhen-2) suggests that this variant is likely to be tolerated. In summary, the available evidence is currently insufficient to determine the role of this variant in disease. Therefore, it has been classified as a Variant of Uncertain Significance.

Blueprint Genetics
Classification: Uncertain significance. Last evaluated: 2024-01-16. Review status: criteria provided, single submitter. Criteria: ACMG Guidelines, 2015. Collection method: clinical testing. Allele origin: germline.

Ambry Genetics
Classification: Uncertain significance for Inborn genetic diseases. Last evaluated: 2023-02-23. Review status: criteria provided, single submitter. Criteria: Ambry Variant Classification Scheme 2023. Collection method: clinical testing. Allele origin: germline.